The following is an entry in ClinVar:

ClinVar aggregate classification (germline): Pathogenic (3 of 4 stars; one submission).

Conditions:
Glanzmann thrombasthenia. Also called: PLATELET GLYCOPROTEIN IIb-IIIa DEFICIENCY; Glanzmann's thrombasthenia; BLEEDING DISORDER, PLATELET-TYPE, 2; THROMBASTHENIA OF GLANZMANN AND NAEGELI; Thrombasthenia. Identifiers: Orphanet 849, MedGen C0040015, MONDO:0100326.

Submission:

ClinGen Platelet Disorders Variant Curation Expert Panel, ClinGen
Classification: Pathogenic for Glanzmann thrombasthenia. Last evaluated: 2022-05-17. Review status: reviewed by expert panel. Criteria: ClinGen Platelet ACMG Specifications v2-1. Collection method: curation. Allele origin: germline. Inheritance: Autosomal recessive inheritance.
Comment: The NM_000212.3:c.674del (p.Gln225ArgfsTer2) variant in ITGB3 exon 5 is a frameshift variant predicted to cause a premature stop codon in biologically-relevant-exon 5/15 and is predicted to lead to nonsense mediated decay in a gene in which loss-of-function is an established disease mechanism (PVS1). This variant has been detected in at least one proband with Glanzmann thrombasthenia. The reported proband (GT30, PMID: 19691478) was homozygous for the variant (PM3_Supporting). At least one patient (Patient GT30 in PMID: 19691478) with this variant displayed mucocutaneous bleeding and impaired aggregation with all agonists except ristocetin, which is highly specific for Glanzmann thrombasthenia (PP4_Moderate). Additionally, alphaIIbbeta3 surface expression was reduced to <5%, as measured by flow cytometry. However, ITGA2B and ITGB3 were not reported to be sequenced across all exons and intron/exon boundaries. This variant is absent from gnomAD v2.1.1 (PM2_Supporting). In summary, this variant meets the criteria to be classified as pathogenic for autosomal recessive Glanzmann Thrombasthenia based on the ACMG/AMP criteria applied, as specified by the ClinGen PD VCEP: PVS1, PM2_Supporting, PM3_Supporting, PP4_Moderate. (VCEP specifications version 2; date of approval 05/17/2022)

NM_000212.3(ITGB3):c.674del (p.Gln225fs)

Gene: ITGB3 (integrin subunit beta 3; plus strand). Cytogenetic location: 17q21.32.
Variant type: Deletion.
Coding change: c.674del on transcript NM_000212.3 (MANE Select); coding-DNA position 674, one base deleted (A; older notation c.674delA).
Protein change: p.Gln225fs; shifts the reading frame from glutamine 225.
Molecular consequence: frameshift variant.
Genome position (GRCh38, 1-based): chr17:47,286,319, A deleted. VCF-style (leftmost placement, unchanged base first): chr17-47286318-CA-C. GRCh37 (hg19) VCF-style: chr17-45363684-CA-C.
Other names: NM_000212.3:c.674del; short protein forms Q225fs.
Identifiers: ClinVar variation 1691467 (VCV001691467.2), dbSNP rs2143096900, ClinGen allele CA915940689.
Genomic context (GRCh38, chr17:47,286,318, plus strand): 5'-AGTATGAAGACCACCTGCTTGCCCATGTTTGGCTACAAACACGTGCTGACGCTAACTGAC[CA>C]GGTGACCCGCTTCAATGAGGAAGTGAAGAAGCAGAGTGTGTCACGGAACCGAGATGCCCC-3'